The following is an entry in ClinVar:

NM_001142800.2(EYS):c.3723_3725del (p.Arg1242del)

Gene: EYS (eyes shut homolog; minus strand). Cytogenetic location: 6q12.
Variant type: Deletion.
Coding change: c.3723_3725del on transcript NM_001142800.2 (MANE Select); coding-DNA positions 3723 to 3725, 3 bases deleted (GAG; older notation c.3723_3725delGAG).
Protein change: p.Arg1242del; deletes arginine 1242.
Molecular consequence: inframe deletion.
Genome position (GRCh38, 1-based): chr6:64,593,269-64,593,271, CTC deleted on the plus strand (GAG on the coding strand, the reverse complement: EYS is on the minus strand); deleting any 3 consecutive bases within chr6:64,593,269-64,593,273 gives the same sequence; the c. name uses the placement nearest the transcript's 3' end. VCF-style (leftmost placement, unchanged base first): chr6-64593268-TCTC-T. GRCh37 (hg19) VCF-style: chr6-65303161-TCTC-T.
Other names: c.3723_3725del, p.Arg1242del (NM_001292009.2); short protein forms R1242del.
Identifiers: ClinVar variation 2070369 (VCV002070369.1), dbSNP rs1431321198, ClinGen allele CA568119153.

ClinVar aggregate classification (germline): Uncertain significance (1 of 4 stars; one submission).

Submission:

Labcorp Genetics (formerly Invitae), Labcorp
Classification: Uncertain significance. Last evaluated: 2022-10-02. Review status: criteria provided, single submitter. Criteria: Invitae Variant Classification Sherloc (09022015). Collection method: clinical testing. Allele origin: germline.
Comment: This variant, c.3723_3725del, results in the deletion of 1 amino acid(s) of the EYS protein (p.Arg1242del), but otherwise preserves the integrity of the reading frame. This variant is present in population databases (no rsID available, gnomAD 0.02%). This variant has not been reported in the literature in individuals affected with EYS-related conditions. Experimental studies and prediction algorithms are not available or were not evaluated, and the functional significance of this variant is currently unknown. In summary, the available evidence is currently insufficient to determine the role of this variant in disease. Therefore, it has been classified as a Variant of Uncertain Significance.